The following is an entry in ClinVar:

ClinVar aggregate classification (germline): Uncertain significance (1 of 4 stars; one submission).

Conditions:
Epileptic encephalopathy. Identifiers: MedGen C0543888, HP:0200134.

Allele frequency attached by ClinVar (database versions not stated): ExAC 0.00002; gnomAD exomes 0.00002; gnomAD 0.00003; TOPMed 0.00003.
gnomAD v4.1: 22 of 1,612,652 alleles (0.0014%); highest among the groups gnomAD compares: Admixed American, 0.005%; no homozygotes.

Submission:

Labcorp Genetics (formerly Invitae), Labcorp
Classification: Uncertain significance for Epileptic encephalopathy. Last evaluated: 2025-05-22. Review status: criteria provided, single submitter. Criteria: Invitae Variant Classification Sherloc (09022015). Collection method: clinical testing. Allele origin: germline.
Comment: This sequence change replaces alanine, which is neutral and non-polar, with threonine, which is neutral and polar, at codon 119 of the FASN protein (p.Ala119Thr). This variant is present in population databases (rs755362571, gnomAD 0.006%). This variant has not been reported in the literature in individuals affected with FASN-related conditions. ClinVar contains an entry for this variant (Variation ID: 948342). An algorithm developed to predict the effect of missense changes on protein structure and function (PolyPhen-2) suggests that this variant is likely to be disruptive. In summary, the available evidence is currently insufficient to determine the role of this variant in disease. Therefore, it has been classified as a Variant of Uncertain Significance.

NM_004104.5(FASN):c.355G>A (p.Ala119Thr)

Gene: FASN (fatty acid synthase; minus strand). Cytogenetic location: 17q25.3.
Variant type: single nucleotide variant.
Coding change: c.355G>A on transcript NM_004104.5 (MANE Select); coding-DNA position 355, G replaced by A.
Protein change: p.Ala119Thr; replaces alanine 119 with threonine.
Molecular consequence: missense variant.
Genome position (GRCh38, 1-based): chr17:82,093,697, C>T on the plus strand (G>A on the coding strand, the complement: FASN is on the minus strand). VCF-style: chr17-82093697-C-T. GRCh37 (hg19) VCF-style: chr17-80051573-C-T.
Other names: short protein forms A119T.
Identifiers: ClinVar variation 948342 (VCV000948342.7), dbSNP rs755362571, ClinGen allele CA8853551.